The following is an entry in ClinVar:

NM_001267550.2(TTN):c.4291C>T (p.Arg1431Trp)

Genes: TTN (titin; minus strand), LOC101927055 (uncharacterized LOC101927055; plus strand). Cytogenetic location: 2q31.2.
Variant type: single nucleotide variant.
Coding change: c.4291C>T on transcript NM_001267550.2 (MANE Select); coding-DNA position 4291, C replaced by T.
Protein change: p.Arg1431Trp; replaces arginine 1431 with tryptophan.
Molecular consequence: missense variant. On other transcripts: non-coding transcript variant (1).
Genome position (GRCh38, 1-based): chr2:178,777,893, G>A on the plus strand (C>T on the coding strand, the complement: TTN is on the minus strand). VCF-style: chr2-178777893-G-A. GRCh37 (hg19) VCF-style: chr2-179642620-G-A.
Other names: c.4291C>T, p.Arg1431Trp (NM_001256850.1, NM_133378.4, NM_133379.5); c.4153C>T, p.Arg1385Trp (NM_003319.4, NM_133432.3, NM_133437.4); short protein forms R1431W, R1385W.
Identifiers: ClinVar variation 405144 (VCV000405144.15), dbSNP rs139636676, ClinGen allele CA2005344.

ClinVar aggregate classification (germline): Conflicting classifications of pathogenicity. Review status: criteria provided, conflicting classifications (1 of 4 stars). 6 submissions from 6 submitters: Uncertain significance (5); Likely benign (1). Last evaluated 2026-08-13.

Conditions:
TTN-related disorder. Also called: TTN-related disorders; TTN-related condition; TTN-related disease.
Autosomal recessive limb-girdle muscular dystrophy type 2J (LGMDR10). Also called: Limb-girdle muscular dystrophy, type 2J; MUSCULAR DYSTROPHY, LIMB-GIRDLE, AUTOSOMAL RECESSIVE 10. Identifiers: Orphanet 140922, MedGen C1837342, MONDO:0012127, OMIM 608807.
Dilated cardiomyopathy 1G (CMD1G). Identifiers: Orphanet 154, MedGen C1858763, MONDO:0011400, OMIM 604145.
Cardiovascular phenotype. Identifiers: MedGen CN230736.

Allele frequency attached by ClinVar (database versions not stated): gnomAD exomes 0.00006; gnomAD 0.00015 and 0.00016; TOPMed 0.00015; 1000 Genomes Project 0.00020; ESP Exome Variant Server 0.00031; 1000 Genomes Project 30x 0.00047.
gnomAD v4.1: 118 of 1,613,836 alleles (0.0073%); highest among the groups gnomAD compares: South Asian, 0.063%; 1 homozygote.

Submissions (6):

PreventionGenetics, part of Exact Sciences
Classification: Uncertain significance for TTN-related condition. Last evaluated: 2026-08-13. Review status: criteria provided, single submitter. Criteria: ACMG Guidelines, 2015. Collection method: clinical testing. Allele origin: germline.
Comment: The TTN c.4291C>T variant is predicted to result in the amino acid substitution p.Arg1431Trp. To our knowledge, this variant has not been reported in the literature. This variant is reported in 0.062% of alleles in individuals of South Asian descent in gnomAD. At this time, the clinical significance of this variant is uncertain due to the absence of conclusive functional and genetic evidence.

Revvity Omics, Revvity
Classification: Uncertain significance. Last evaluated: 2024-10-03. Review status: criteria provided, single submitter. Criteria: ACMG Guidelines, 2015. Collection method: clinical testing. Allele origin: germline.

GeneDx
Classification: Likely benign. Last evaluated: 2020-02-25. Review status: criteria provided, single submitter. Criteria: GeneDx Variant Classification Process June 2021. Collection method: clinical testing. Allele origin: germline. Affected: yes.

Ambry Genetics
Classification: Uncertain significance for Cardiovascular phenotype. Last evaluated: 2019-11-21. Review status: criteria provided, single submitter. Criteria: Ambry Variant Classification Scheme 2023. Collection method: clinical testing. Allele origin: germline.
Comment: The p.R1385W variant (also known as c.4153C>T), located in coding exon 23 of the TTN gene, results from a C to T substitution at nucleotide position 4153. The arginine at codon 1385 is replaced by tryptophan, an amino acid with dissimilar properties. This amino acid position is highly conserved in available vertebrate species. In addition, this alteration is predicted to be tolerated by in silico analysis. Since supporting evidence is limited at this time, the clinical significance of this alteration remains unclear.

Labcorp Genetics (formerly Invitae), Labcorp
Classification: Uncertain significance for Dilated cardiomyopathy 1G; Autosomal recessive limb-girdle muscular dystrophy type 2J. Last evaluated: 2017-12-06. Review status: criteria provided, single submitter. Criteria: Invitae Variant Classification Sherloc (09022015). Collection method: clinical testing. Allele origin: germline.

Eurofins Ntd Llc (ga)
Classification: Uncertain significance. Last evaluated: 2017-06-05. Review status: criteria provided, single submitter. Criteria: EGL Classification Definitions 2015. Collection method: clinical testing. Allele origin: germline. Observed: 2 variant alleles, 2 heterozygotes.